The following is an entry in ClinVar:

NM_006019.4(TCIRG1):c.528C>A (p.Pro176=)

Gene: TCIRG1 (T cell immune regulator 1, ATPase H+ transporting V0 subunit a3; plus strand). Cytogenetic location: 11q13.2.
Variant type: single nucleotide variant.
Coding change: c.528C>A on transcript NM_006019.4 (MANE Select); coding-DNA position 528, C replaced by A.
Protein change: p.Pro176=; no amino-acid change (proline 176 retained).
Molecular consequence: synonymous variant. On other transcripts: 5 prime UTR variant (2).
Genome position (GRCh38, 1-based): chr11:68,043,395, C>A. VCF-style: chr11-68043395-C-A. GRCh37 (hg19) VCF-style: chr11-67810862-C-A.
Other names: c.-383C>A (NM_001351059.2); c.-121C>A (NM_006053.4).
Identifiers: ClinVar variation 283603 (VCV000283603.19), dbSNP rs538805960, ClinGen allele CA6146745.

ClinVar aggregate classification (germline): Benign/Likely benign. Review status: criteria provided, multiple submitters, no conflicts (2 of 4 stars). 5 submissions from 5 submitters: Benign (2); Likely benign (2). 1 of the submissions does not count toward it. Last evaluated 2026-01-28.

Conditions:
TCIRG1-related disorder. Also called: TCIRG1-related condition.
Autosomal recessive osteopetrosis 1. Also called: TCIRG1-Related Autosomal Recessive Osteopetrosis; ALBERS-SCHONBERG DISEASE, AUTOSOMAL RECESSIVE; TCIRG1-Related Osteopetrosis. Identifiers: Orphanet 667, MedGen C1850127, MONDO:0009815, OMIM 259700.

Allele frequency attached by ClinVar (database versions not stated): gnomAD exomes 0.00012 and 0.00038; ExAC 0.00053; gnomAD 0.00129 and 0.00135; TOPMed 0.00134; 1000 Genomes Project 0.00200; 1000 Genomes Project 30x 0.00250.
gnomAD v4.1: 363 of 1,540,568 alleles (0.024%); highest among the groups gnomAD compares: African/African-American, 0.44%; no homozygotes.

Submissions (5):

Labcorp Genetics (formerly Invitae), Labcorp
Classification: Benign. Last evaluated: 2026-01-28. Review status: criteria provided, single submitter. Criteria: Invitae Variant Classification Sherloc (09022015). Collection method: clinical testing. Allele origin: germline.

ARUP Laboratories, Molecular Genetics and Genomics, ARUP Laboratories
Classification: Likely benign for Autosomal recessive osteopetrosis 1. Last evaluated: 2025-07-18. Review status: criteria provided, single submitter. Criteria: ARUP Molecular Germline Variant Investigation Process 2024. Collection method: clinical testing. Allele origin: germline.

Blueprint Genetics
Classification: Likely benign. Last evaluated: 2024-07-18. Review status: criteria provided, single submitter. Criteria: ACMG Guidelines, 2015. Collection method: clinical testing. Allele origin: germline.

Eurofins Ntd Llc (ga)
Classification: Benign. Last evaluated: 2015-10-08. Review status: criteria provided, single submitter. Criteria: EGL Classification Definitions 2015. Collection method: clinical testing. Allele origin: germline. Observed: 1 variant allele, 1 heterozygote.

PreventionGenetics, part of Exact Sciences
Classification: Likely benign for TCIRG1-related condition. Last evaluated: 2024-01-16. Review status: no assertion criteria provided. Collection method: clinical testing. Allele origin: germline. Not counted in ClinVar's aggregate classification.
Comment: This variant is classified as likely benign based on ACMG/AMP sequence variant interpretation guidelines (Richards et al. 2015 PMID: 25741868, with internal and published modifications).